The following is an entry in ClinVar:

ClinVar aggregate classification (germline): Likely pathogenic (1 of 4 stars; one submission).

Conditions:
Inborn genetic diseases. Identifiers: MedGen C0950123, MeSH D030342.

Submission:

Ambry Genetics
Classification: Likely pathogenic for Inborn genetic diseases. Last evaluated: 2024-04-22. Review status: criteria provided, single submitter. Criteria: Ambry Variant Classification Scheme 2023. Collection method: clinical testing. Allele origin: germline.
Comment: The c.6067+1G>A intronic variant results from a G to A substitution one nucleotide after coding exon 27 of the MED13L gene. Alterations that disrupt the canonical splice site are expected to result in aberrant splicing. The resulting transcript is predicted to be in-frame and is not expected to trigger nonsense-mediated mRNA decay; however, direct evidence is unavailable. The exact functional effect of the altered amino acid sequence is unknown; however, the impacted region is critical for protein function (Ambry internal data). This variant was not reported in population-based cohorts in the Genome Aggregation Database (gnomAD). This nucleotide position is highly conserved in available vertebrate species. In silico splice site analysis predicts that this alteration will weaken the native splice donor site and may result in the creation or strengthening of a novel splice donor site. Based on the available evidence, this alteration is classified as likely pathogenic.

NM_015335.5(MED13L):c.6067+1G>A

Gene: MED13L (mediator complex subunit 13L; minus strand). Cytogenetic location: 12q24.21.
Variant type: single nucleotide variant.
Coding change: c.6067+1G>A on transcript NM_015335.5 (MANE Select); the canonical splice donor site of the intron after coding-DNA position 6067, G replaced by A.
Molecular consequence: splice donor variant.
Genome position (GRCh38, 1-based): chr12:115,970,593, C>T on the plus strand (G>A on the coding strand, the complement: MED13L is on the minus strand). VCF-style: chr12-115970593-C-T. GRCh37 (hg19) VCF-style: chr12-116408398-C-T.
Identifiers: ClinVar variation 3294007 (VCV003294007.1).
Genomic context (GRCh38, chr12:115,970,593, plus strand): 5'-TCCATACTCCGGCTCTGCCCTGCATGAAGGTGAGCACTATCCATACAGGTCTTCTACTCA[C>T]CATTGTTGGGGCTAAACCCATCTTCATTGGGGTAGTTGGCTGGAGCCACCTGGATGGTTG-3'